The following is an entry in ClinVar:

ClinVar aggregate classification (germline): Uncertain significance (1 of 4 stars; one submission).

Submission:

Mayo Clinic Laboratories, Mayo Clinic
Classification: Uncertain significance. Last evaluated: 2024-02-08. Review status: criteria provided, single submitter. Criteria: ACMG Guidelines, 2015. Collection method: clinical testing. Allele origin: germline. Observed: 1 variant allele.
Comment: BP4, PM2

NM_001267550.2(TTN):c.100518T>G (p.Asn33506Lys)

Genes: TTN (titin; minus strand), TTN-AS1 (TTN antisense RNA 1; plus strand). Cytogenetic location: 2q31.2.
Variant type: single nucleotide variant.
Coding change: c.100518T>G on transcript NM_001267550.2 (MANE Select); coding-DNA position 100518, T replaced by G.
Protein change: p.Asn33506Lys; replaces asparagine 33506 with lysine.
Molecular consequence: missense variant.
Genome position (GRCh38, 1-based): chr2:178,536,229, A>C on the plus strand (T>G on the coding strand, the complement: TTN is on the minus strand). VCF-style: chr2-178536229-A-C. GRCh37 (hg19) VCF-style: chr2-179400956-A-C.
Other names: p.Asn31865Lys; c.95595T>G, p.Asn31865Lys (NM_001256850.1); c.73323T>G, p.Asn24441Lys (NM_003319.4); c.92814T>G, p.Asn30938Lys (NM_133378.4); c.73698T>G, p.Asn24566Lys (NM_133432.3); c.73899T>G, p.Asn24633Lys (NM_133437.4); short protein forms N24441K, N24566K, N24633K, N30938K, N31865K, N33506K.
Identifiers: ClinVar variation 3380858 (VCV003380858.1).
Genomic context (GRCh38, chr2:178,536,229, plus strand): 5'-GATAGGTTTTGGATGACCAGTCACTTTGCAGACCAAGGTAGCATTGCTCTGATATCTGAC[A>C]TTTAGATTTCTCAGTTCCTCTTTAAAGTGTGGTGCCTGAATTGGGACATCAGATTTGGGA-3'
Protein context (NP_001254479.2, residues 33496-33516): PHFKEELRNL[Asn33506Lys]VRYQSNATLV